The following is an entry in ClinVar:

NM_001352186.2(ANKS1B):c.3216C>A (p.Tyr1072Ter)

Gene: ANKS1B (ankyrin repeat and sterile alpha motif domain containing 1B; minus strand). Cytogenetic location: 12q23.1.
Variant type: single nucleotide variant.
Coding change: c.3216C>A on transcript NM_001352186.2 (MANE Select); coding-DNA position 3216, C replaced by A.
Protein change: p.Tyr1072Ter; replaces tyrosine 1072 with a stop codon.
Molecular consequence: nonsense. On other transcripts: 5 prime UTR variant (9).
Genome position (GRCh38, 1-based): chr12:98,801,051, G>T on the plus strand (C>A on the coding strand, the complement: ANKS1B is on the minus strand). VCF-style: chr12-98801051-G-T. GRCh37 (hg19) VCF-style: chr12-99194829-G-T.
Other names: c.231C>A, p.Tyr77Ter (NM_001204065.2, NM_001352208.2, NM_001352222.2); c.435C>A, p.Tyr145Ter (NM_001204066.2); c.546C>A, p.Tyr182Ter (NM_001204067.2); c.819C>A, p.Tyr273Ter (NM_001204068.2, NM_001352197.2, NM_001352202.2 and 1 more transcripts); c.711C>A, p.Tyr237Ter (NM_001204069.2, NM_001352206.2); c.639C>A, p.Tyr213Ter (NM_001204070.2, NM_001352199.2, NM_020140.4); c.234C>A, p.Tyr78Ter (NM_001204079.2, NM_001352219.2, NM_001352223.2); c.159C>A, p.Tyr53Ter (NM_001204080.2, NM_001204081.2, NM_001352207.2 and 2 more transcripts); and 12 more; short protein forms Y1047*, Y1071*, Y1072*, Y145*, Y156*, Y177*, Y182*, Y202*.
Identifiers: ClinVar variation 3347865 (VCV003347865.1).

ClinVar aggregate classification (germline): Uncertain significance (0 of 4 stars; one submission).

Conditions:
ANKS1B-related disorder. Also called: ANKS1B-related condition.

Submission:

PreventionGenetics, part of Exact Sciences
Classification: Uncertain significance for ANKS1B-related condition. Last evaluated: 2024-07-18. Review status: no assertion criteria provided. Collection method: clinical testing. Allele origin: germline.
Comment: The ANKS1B c.3216C>A variant is predicted to result in premature protein termination (p.Tyr1072*). To our knowledge, this variant has not been reported in the literature or in a large population database, indicating this variant is rare. Loss of function has not been established as a mechanism of ANKS1B-related disease. At this time, the clinical significance of this variant is uncertain due to the absence of conclusive functional and genetic evidence.